The following is an entry in ClinVar:

ClinVar aggregate classification (germline): Likely benign. Review status: criteria provided, multiple submitters, no conflicts (2 of 4 stars). 4 submissions from 4 submitters: Likely benign (3). 1 of the submissions does not count toward it. Last evaluated 2024-10-07.

Conditions:
PKD1-related disorder. Also called: PKD1-related condition.
Inborn genetic diseases. Identifiers: MedGen C0950123, MeSH D030342.
Polycystic kidney disease, adult type (PKD1). Also called: POLYCYSTIC KIDNEY DISEASE, ADULT, TYPE I; Polycystic Kidney Disease 1, Autosomal Dominant; Polycystic kidney disease 1; Polycystic kidney disease 1, severe; Polycystic Kidney, Autosomal Dominant; POLYCYSTIC KIDNEY DISEASE 1 WITH OR WITHOUT POLYCYSTIC LIVER DISEASE. Identifiers: MedGen C3149841, MONDO:0008263, OMIM 173900.

Allele frequency attached by ClinVar (database versions not stated): 1000 Genomes Project 30x 0.00094; 1000 Genomes Project 0.00100.
gnomAD v4.1: 226 of 1,610,790 alleles (0.014%); highest among the groups gnomAD compares: South Asian, 0.24%; 2 homozygotes.

Submissions (4):

Department of Pathology and Laboratory Medicine, Sinai Health System
Classification: Likely benign for Polycystic kidney disease, adult type. Last evaluated: 2024-10-07. Review status: criteria provided, single submitter. Criteria: ACMG Guidelines, 2015. Collection method: clinical testing. Allele origin: germline.

Ambry Genetics
Classification: Likely benign for Inborn genetic diseases. Last evaluated: 2024-08-01. Review status: criteria provided, single submitter. Criteria: Ambry Variant Classification Scheme 2023. Collection method: clinical testing. Allele origin: germline.

Blueprint Genetics
Classification: Likely benign. Last evaluated: 2023-01-04. Review status: criteria provided, single submitter. Criteria: ACMG Guidelines, 2015. Collection method: clinical testing. Allele origin: germline.

PreventionGenetics, part of Exact Sciences
Classification: Likely benign for PKD1-related condition. Last evaluated: 2021-04-06. Review status: no assertion criteria provided. Collection method: clinical testing. Allele origin: germline. Not counted in ClinVar's aggregate classification.
Comment: This variant is classified as likely benign based on ACMG/AMP sequence variant interpretation guidelines (Richards et al. 2015 PMID: 25741868, with internal and published modifications).

NM_001009944.3(PKD1):c.3931G>T (p.Ala1311Ser)

Gene: PKD1 (polycystin 1, transient receptor potential channel interacting; minus strand). Cytogenetic location: 16p13.3.
Variant type: single nucleotide variant.
Coding change: c.3931G>T on transcript NM_001009944.3 (MANE Select); coding-DNA position 3931, G replaced by T.
Protein change: p.Ala1311Ser; replaces alanine 1311 with serine.
Molecular consequence: missense variant.
Genome position (GRCh38, 1-based): chr16:2,111,236, C>A on the plus strand (G>T on the coding strand, the complement: PKD1 is on the minus strand). VCF-style: chr16-2111236-C-A. GRCh37 (hg19) VCF-style: chr16-2161237-C-A.
Other names: c.3931G>T, p.Ala1311Ser (NM_000296.4); c.3931G>T (NM_000296.3); short protein forms A1311S.
Identifiers: ClinVar variation 3057685 (VCV003057685.5), dbSNP rs146169133, ClinGen allele CA7832573.
Genomic context (GRCh38, chr16:2,111,236, plus strand): 5'-CGAAGGTCCAGTCGAAGAGGTAGTGGGCCGGGTTCCCGGTGACGTAGGCCGTGAGCCGCG[C>A]GTCAGGCTGCGTGGGGATGCAGGCGGCGGGTTCAACGCGCAGCACCTCCAGGACGAAGAC-3'
Protein context (NP_001009944.3, residues 1301-1321): PAACIPTQPD[Ala1311Ser]RLTAYVTGNP